The following is an entry in ClinVar:

NM_182493.3(MYLK3):c.1487C>T (p.Pro496Leu)

Gene: MYLK3 (myosin light chain kinase 3; minus strand). Cytogenetic location: 16q11.2.
Variant type: single nucleotide variant.
Coding change: c.1487C>T on transcript NM_182493.3 (MANE Select); coding-DNA position 1487, C replaced by T.
Protein change: p.Pro496Leu; replaces proline 496 with leucine.
Molecular consequence: missense variant.
Genome position (GRCh38, 1-based): chr16:46,730,674, G>A on the plus strand (C>T on the coding strand, the complement: MYLK3 is on the minus strand). VCF-style: chr16-46730674-G-A. GRCh37 (hg19) VCF-style: chr16-46764586-G-A.
Other names: c.464C>T, p.Pro155Leu (NM_001308301.1); short protein forms P155L, P496L.
Identifiers: ClinVar variation 1357724 (VCV001357724.8), dbSNP rs1338223406, ClinGen allele CA395791784.

ClinVar aggregate classification (germline): Uncertain significance (1 of 4 stars; one submission).

Submission:

Labcorp Genetics (formerly Invitae), Labcorp
Classification: Uncertain significance. Last evaluated: 2025-08-30. Review status: criteria provided, single submitter. Criteria: Invitae Variant Classification Sherloc (09022015). Collection method: clinical testing. Allele origin: germline.
Comment: This sequence change replaces proline, which is neutral and non-polar, with leucine, which is neutral and non-polar, at codon 496 of the MYLK3 protein (p.Pro496Leu). This variant is not present in population databases (gnomAD no frequency). This variant has not been reported in the literature in individuals affected with MYLK3-related conditions. ClinVar contains an entry for this variant (Variation ID: 1357724). An algorithm developed to predict the effect of missense changes on protein structure and function (PolyPhen-2) suggests that this variant is likely to be disruptive. In summary, the available evidence is currently insufficient to determine the role of this variant in disease. Therefore, it has been classified as a Variant of Uncertain Significance.